The following is an entry in ClinVar:

NM_005055.5(RAPSN):c.425C>A (p.Ala142Asp)

Gene: RAPSN (receptor associated protein of the synapse; minus strand). Cytogenetic location: 11p11.2.
Variant type: single nucleotide variant.
Coding change: c.425C>A on transcript NM_005055.5 (MANE Select); coding-DNA position 425, C replaced by A.
Protein change: p.Ala142Asp; replaces alanine 142 with aspartic acid.
Molecular consequence: missense variant.
Genome position (GRCh38, 1-based): chr11:47,447,918, G>T on the plus strand (C>A on the coding strand, the complement: RAPSN is on the minus strand). VCF-style: chr11-47447918-G-T. GRCh37 (hg19) VCF-style: chr11-47469470-G-T.
Other names: c.425C>A, p.Ala142Asp (NM_032645.5); short protein forms A142D.
Identifiers: ClinVar variation 859852 (VCV000859852.23), dbSNP rs368695664, ClinGen allele CA5976746.

ClinVar aggregate classification (germline): Pathogenic/Likely pathogenic. Review status: criteria provided, multiple submitters, no conflicts (2 of 4 stars). 8 submissions from 8 submitters: Pathogenic (1); Likely pathogenic (7). Last evaluated 2026-01-23.

Conditions:
Fetal akinesia deformation sequence 2. Identifiers: MedGen C4760576, MONDO:0100102, OMIM 618388.
Congenital myasthenic syndrome 11. Also called: MYASTHENIC SYNDROME, CONGENITAL, Ie; Myasthenic syndrome, congenital, 11, associated with acetylcholine receptor deficiency. Identifiers: Orphanet 590, MedGen C4225367, MONDO:0014588, OMIM 616326.
Fetal akinesia deformation sequence 1 (FADS1). Also called: Pena-Shokeir syndrome type I; Fetal akinesia sequence. Identifiers: Orphanet 994, MedGen C1276035, MONDO:0100101, OMIM 208150, HP:0001989.
RAPSN-related disorder. Also called: RAPSN-related disorders; RAPSN-related condition. Identifiers: MedGen CN239397.
Congenital myasthenic syndrome (CMS). Also called: Congenital Myasthenic Syndromes. Identifiers: Orphanet 590, MedGen C0751882, MeSH D020294, MONDO:0018940.

Allele frequency attached by ClinVar (database versions not stated): ESP Exome Variant Server 0.00008; gnomAD exomes below 0.00001; ExAC 0.00001; gnomAD 0.00001; TOPMed 0.00002.
gnomAD v4.1: 5 of 1,613,280 alleles (0.00031%); highest among the groups gnomAD compares: Non-Finnish European, 0.00042%; no homozygotes.

Submissions (8):

GeneDx
Classification: Likely pathogenic. Last evaluated: 2026-01-23. Review status: criteria provided, single submitter. Criteria: GeneDx Variant Classification Process June 2021. Collection method: clinical testing. Allele origin: germline. Affected: yes.
Comment: Not observed at significant frequency in large population cohorts (gnomAD); In silico analysis supports that this missense variant has a deleterious effect on protein structure/function; This variant is associated with the following publications: (PMID: 14729848, 22678886, 38511267, 37334785, 19620612)

Labcorp Genetics (formerly Invitae), Labcorp
Classification: Pathogenic for Congenital myasthenic syndrome 11; Fetal akinesia deformation sequence 1. Last evaluated: 2025-08-18. Review status: criteria provided, single submitter. Criteria: Invitae Variant Classification Sherloc (09022015). Collection method: clinical testing. Allele origin: germline.
Comment: This sequence change replaces alanine, which is neutral and non-polar, with aspartic acid, which is acidic and polar, at codon 142 of the RAPSN protein (p.Ala142Asp). This variant is present in population databases (rs368695664, gnomAD 0.002%). This missense change has been observed in individual(s) with clinical features of congenital myasthenic syndrome (PMID: 14729848, 19620612; internal data). In at least one individual the data is consistent with being in trans (on the opposite chromosome) from a pathogenic variant. ClinVar contains an entry for this variant (Variation ID: 859852). Invitae Evidence Modeling of protein sequence and biophysical properties (such as structural, functional, and spatial information, amino acid conservation, physicochemical variation, residue mobility, and thermodynamic stability) indicates that this missense variant is expected to disrupt RAPSN protein function with a positive predictive value of 95%. For these reasons, this variant has been classified as Pathogenic.

Myriad Genetics, Inc.
Classification: Likely pathogenic for RAPSN-related disorder. Last evaluated: 2025-08-12. Review status: criteria provided, single submitter. Criteria: Myriad Autosomal Dominant, Autosomal Recessive and X-Linked Classification Criteria (2023). Collection method: clinical testing. Allele origin: unknown.
Comment: NM_005055.4(RAPSN):c.425C>A(A142D) is a missense variant classified as likely pathogenic in the context of RAPSN-related disorders. A142D has been observed in cases with relevant disease (PMID: 19620612, 37334785, 14729848). Relevant functional assessments of this variant are available in the literature (PMID: 34033754). A142D has been observed in referenced population frequency databases. In summary, NM_005055.4(RAPSN):c.425C>A(A142D) is a missense variant that has been observed more frequently in cases with the relevant disease than in healthy populations. Please note: this variant was assessed in the context of healthy population screening.

Women's Health and Genetics/Laboratory Corporation of America, LabCorp
Classification: Likely pathogenic for Congenital myasthenic syndrome. Last evaluated: 2025-06-20. Review status: criteria provided, single submitter. Criteria: LabCorp Variant Classification Summary - May 2015. Collection method: clinical testing. Allele origin: germline.
Comment: Variant summary: RAPSN c.425C>A (p.Ala142Asp) results in a non-conservative amino acid change located in the Tetratricopeptide repeat domain (IPR019734) of the encoded protein sequence. Algorithms developed to predict the effect of missense changes on protein structure and function all suggest that this variant is likely to be disruptive. The variant allele was found at a frequency of 4e-06 in 249160 control chromosomes. c.425C>A has been observed in individuals affected with Congenital Myasthenic Syndrome and fetal akinesia deformation sequence (e.g. Ohno_2004, Milone_2009, Kumar_2023, Labcorp (formerly Invitae) internal case). These data indicate that the variant is likely to be associated with disease. To our knowledge, no experimental evidence demonstrating an impact on protein function has been reported. The following publications have been ascertained in the context of this evaluation (PMID: 29478601, 19620612, 14729848, 37334785). ClinVar contains an entry for this variant (Variation ID: 859852). Based on the evidence outlined above, the variant was classified as likely pathogenic.

PreventionGenetics, part of Exact Sciences
Classification: Likely pathogenic for RAPSN-related condition. Last evaluated: 2025-03-27. Review status: criteria provided, single submitter. Criteria: ACMG Guidelines, 2015. Collection method: clinical testing. Allele origin: germline.
Comment: The RAPSN c.425C>A variant is predicted to result in the amino acid substitution p.Ala142Asp. This variant has been reported along with a causative RAPSN variant in multiple individuals with clinical features of congenital myasthenic syndrome (Ohno et al. 2004. PubMed ID: 14729848; Milone et al. 2009. PubMed ID: 19620612; Kumar et al. 2023. PubMed ID: 37334785). This variant is reported in one individual (0.00089% of alleles) of European (non-Finnish) descent in gnomAD. This variant is interpreted as likely pathogenic.

Fulgent Genetics
Classification: Likely pathogenic for Congenital myasthenic syndrome 11; Fetal akinesia deformation sequence 2. Last evaluated: 2024-02-10. Review status: criteria provided, single submitter. Criteria: ACMG Guidelines, 2015. Collection method: clinical testing. Allele origin: germline.

Baylor Genetics
Classification: Likely pathogenic for Fetal akinesia deformation sequence 2. Last evaluated: 2023-08-05. Review status: criteria provided, single submitter. Criteria: ACMG Guidelines, 2015. Collection method: clinical testing. Allele origin: unknown.

Revvity Omics, Revvity
Classification: Likely pathogenic. Last evaluated: 2021-11-08. Review status: criteria provided, single submitter. Criteria: ACMG Guidelines, 2015. Collection method: clinical testing. Allele origin: germline.

Literature cited by the submitters: PubMed 14729848 (cited by 3 submitters); PubMed 19620612 (cited by 3 submitters); PubMed 34033754 (cited by Myriad Genetics, Inc.); PubMed 37334785 (cited by Myriad Genetics, Inc. and Women's Health and Genetics/Laboratory Corporation of America, LabCorp); PubMed 29478601 (cited by Women's Health and Genetics/Laboratory Corporation of America, LabCorp).